The following is an entry in ClinVar:

NM_001079668.3(NKX2-1):c.532G>T (p.Asp178Tyr)

Genes: NKX2-1 (NK2 homeobox 1; minus strand), SFTA3 (surfactant associated 3; minus strand). Cytogenetic location: 14q13.3.
Variant type: single nucleotide variant.
Coding change: c.532G>T on transcript NM_001079668.3 (MANE Select); coding-DNA position 532, G replaced by T.
Protein change: p.Asp178Tyr; replaces aspartic acid 178 with tyrosine.
Molecular consequence: missense variant.
Genome position (GRCh38, 1-based): chr14:36,517,952, C>A on the plus strand (G>T on the coding strand, the complement: NKX2-1 is on the minus strand). VCF-style: chr14-36517952-C-A. GRCh37 (hg19) VCF-style: chr14-36987157-C-A.
Other names: c.442G>T, p.Asp148Tyr (NM_003317.4); short protein forms D148Y, D178Y.
Identifiers: ClinVar variation 1700896 (VCV001700896.2), dbSNP rs1881119358, ClinGen allele CA389459605.

ClinVar aggregate classification (germline): Uncertain significance (1 of 4 stars; one submission).

Submission:

GeneDx
Classification: Uncertain significance. Last evaluated: 2022-02-14. Review status: criteria provided, single submitter. Criteria: GeneDx Variant Classification Process June 2021. Collection method: clinical testing. Allele origin: germline. Affected: yes.
Comment: Not observed at significant frequency in large population cohorts (gnomAD); In silico analysis supports that this missense variant has a deleterious effect on protein structure/function; Has not been previously published as pathogenic or benign to our knowledge